The following is an entry in ClinVar:

ClinVar aggregate classification (germline): Uncertain significance (1 of 4 stars; one submission).

Conditions:
Leukocyte adhesion deficiency 3. Also called: Leukocyte adhesion deficiency, type III; INTEGRIN ACTIVATION DEFICIENCY DISEASE; LEUKOCYTE ADHESION DEFICIENCY 1 VARIANT. Identifiers: Orphanet 2968, Orphanet 99844, MedGen C2748536, MONDO:0013016, OMIM 612840.

Allele frequency attached by ClinVar (database versions not stated): gnomAD exomes below 0.00001; TOPMed below 0.00001.
gnomAD v4.1: 1 of 1,610,300 alleles (0.000062%); highest among the groups gnomAD compares: African/African-American, 0.0013%; no homozygotes.

Submission:

Labcorp Genetics (formerly Invitae), Labcorp
Classification: Uncertain significance for Leukocyte adhesion deficiency 3. Last evaluated: 2024-02-17. Review status: criteria provided, single submitter. Criteria: Invitae Variant Classification Sherloc (09022015). Collection method: clinical testing. Allele origin: germline.
Comment: This sequence change replaces aspartic acid, which is acidic and polar, with histidine, which is basic and polar, at codon 491 of the FERMT3 protein (p.Asp491His). This variant is present in population databases (no rsID available, gnomAD 0.007%). This variant has not been reported in the literature in individuals affected with FERMT3-related conditions. ClinVar contains an entry for this variant (Variation ID: 1506846). An algorithm developed to predict the effect of missense changes on protein structure and function (PolyPhen-2) suggests that this variant is likely to be disruptive. In summary, the available evidence is currently insufficient to determine the role of this variant in disease. Therefore, it has been classified as a Variant of Uncertain Significance.

NM_031471.6(FERMT3):c.1471G>C (p.Asp491His)

Gene: FERMT3 (FERM domain containing kindlin 3; plus strand). Cytogenetic location: 11q13.1.
Variant type: single nucleotide variant.
Coding change: c.1471G>C on transcript NM_031471.6 (MANE Select); coding-DNA position 1471, G replaced by C.
Protein change: p.Asp491His; replaces aspartic acid 491 with histidine.
Molecular consequence: missense variant.
Genome position (GRCh38, 1-based): chr11:64,220,595, G>C. VCF-style: chr11-64220595-G-C. GRCh37 (hg19) VCF-style: chr11-63988067-G-C.
Other names: c.1471G>C, p.Asp491His (NM_001382361.1, NM_001382448.1); c.1483G>C, p.Asp495His (NM_001382362.1, NM_178443.3); c.931G>C, p.Asp311His (NM_001382363.1); c.943G>C, p.Asp315His (NM_001382364.1); short protein forms D491H, D495H, D315H, D311H.
Identifiers: ClinVar variation 1506846 (VCV001506846.8), dbSNP rs1203250020, ClinGen allele CA381088039.
Genomic context (GRCh38, chr11:64,220,595, plus strand): 5'-GCCTTCCTCAGCCTGCAGCGCACGGGCAGTGGGGGCCCGGGCAACCACCCCCACGGCCCT[G>C]ATGCCTCTGCCGAGGGCCTCAACCCCTACGGCCTCGTTGCCCCCCGTTTCCAGCGAAAGT-3'
Protein context (NP_113659.3, residues 481-501): GGPGNHPHGP[Asp491His]ASAEGLNPYG